The following is an entry in ClinVar:

ClinVar aggregate classification (germline): Likely pathogenic (1 of 4 stars; one submission).

Conditions:
Hereditary cancer-predisposing syndrome. Also called: Tumor predisposition; Hereditary neoplastic syndrome; Neoplastic Syndromes, Hereditary; Hereditary Cancer Syndrome. Identifiers: Orphanet 140162, MedGen C0027672, MeSH D009386, MONDO:0015356.

Submission:

Ambry Genetics
Classification: Likely pathogenic for Hereditary cancer-predisposing syndrome. Last evaluated: 2025-06-06. Review status: criteria provided, single submitter. Criteria: Ambry Variant Classification Scheme 2023. Collection method: clinical testing. Allele origin: germline.
Comment: The p.S2* variant (also known as c.5C>G), located in coding exon 1 of the CDKN1B gene, results from a C to G substitution at nucleotide position 5. This changes the amino acid from a serine to a stop codon within coding exon 1. The predicted stop codon occurs in the 5&rsquo; end of theCDKN1B gene. Premature termination codons in the 5&rsquo; end of a gene have been reported to escape nonsense-mediated mRNAdecay and/or lead to re-initiation (Rivas et al. Science. 2015 May 8;348(6235):666-9; Lindeboom et al. Nat Genet. 2016 Oct;48(10):1112-8; Rhee et al. Sci Rep. 2017 May 10;7(1):1653). Direct evidence for this alteration is unavailable, however premature termination codons are typically deleterious in nature. This variant is considered to be rare based on population cohorts in the Genome Aggregation Database (gnomAD). Based on the majority of available evidence to date, this variant is likely to be pathogenic.

NM_004064.5(CDKN1B):c.5C>G (p.Ser2Ter)

Gene: CDKN1B (cyclin dependent kinase inhibitor 1B; plus strand). Cytogenetic location: 12p13.1.
Variant type: single nucleotide variant.
Coding change: c.5C>G on transcript NM_004064.5 (MANE Select); coding-DNA position 5, C replaced by G.
Protein change: p.Ser2Ter; replaces serine 2 with a stop codon.
Molecular consequence: nonsense.
Genome position (GRCh38, 1-based): chr12:12,717,844, C>G. VCF-style: chr12-12717844-C-G. GRCh37 (hg19) VCF-style: chr12-12870778-C-G.
Other names: short protein forms S2*.
Identifiers: ClinVar variation 3999754 (VCV003999754.1).